The following is an entry in ClinVar:

ClinVar aggregate classification (germline): Uncertain significance (1 of 4 stars; one submission).

Submission:

Labcorp Genetics (formerly Invitae), Labcorp
Classification: Uncertain significance. Last evaluated: 2020-06-02. Review status: criteria provided, single submitter. Criteria: Invitae Variant Classification Sherloc (09022015). Collection method: clinical testing. Allele origin: germline.
Comment: This variant is an in-frame deletion of the genomic region encompassing exon seven of the IMPG1 gene. It preserves the integrity of the reading frame. This variant has not been reported in the literature in individuals with IMPG1-related conditions. In summary, the available evidence is currently insufficient to determine the role of this variant in disease. Therefore, it has been classified as a Variant of Uncertain Significance.

NC_000006.11:g.(?_76728435)_(76728575_?)del

Gene: IMPG1 (interphotoreceptor matrix proteoglycan 1; minus strand). Cytogenetic location: 6q14.1.
Variant type: Deletion.
Identifiers: ClinVar variation 1014948 (VCV001014948.1).